The following is an entry in ClinVar:

ClinVar aggregate classification (germline): Uncertain significance (1 of 4 stars; one submission).

Conditions:
Hereditary cancer-predisposing syndrome. Also called: Neoplastic Syndromes, Hereditary; Tumor predisposition; Hereditary Cancer Syndrome; Hereditary neoplastic syndrome. Identifiers: Orphanet 140162, MedGen C0027672, MeSH D009386, MONDO:0015356.

Submission:

Ambry Genetics
Classification: Uncertain significance for Hereditary cancer-predisposing syndrome. Last evaluated: 2021-08-26. Review status: criteria provided, single submitter. Criteria: Ambry Variant Classification Scheme 2023. Collection method: clinical testing. Allele origin: germline.
Comment: The p.G244W variant (also known as c.730G>T), located in coding exon 5 of the PTCH1 gene, results from a G to T substitution at nucleotide position 730. The glycine at codon 244 is replaced by tryptophan, an amino acid with highly dissimilar properties. This amino acid position is highly conserved in available vertebrate species. In addition, this alteration is predicted to be deleterious by in silico analysis. Since supporting evidence is limited at this time, the clinical significance of this alteration remains unclear.

NM_000264.5(PTCH1):c.730G>T (p.Gly244Trp)

Gene: PTCH1 (patched 1; minus strand). Cytogenetic location: 9q22.32.
Variant type: single nucleotide variant.
Coding change: c.730G>T on transcript NM_000264.5 (MANE Select); coding-DNA position 730, G replaced by T.
Protein change: p.Gly244Trp; replaces glycine 244 with tryptophan.
Molecular consequence: missense variant. On other transcripts: non-coding transcript variant (1).
Genome position (GRCh38, 1-based): chr9:95,481,965, C>A on the plus strand (G>T on the coding strand, the complement: PTCH1 is on the minus strand). VCF-style: chr9-95481965-C-A. GRCh37 (hg19) VCF-style: chr9-98244247-C-A.
Other names: c.532G>T, p.Gly178Trp (NM_001083602.3, NM_001354919.2); c.727G>T, p.Gly243Trp (NM_001083603.3); c.277G>T, p.Gly93Trp (NM_001083604.3, NM_001083605.3, NM_001083606.3 and 1 more transcripts); c.730G>T, p.Gly244Trp (NM_001354918.2); short protein forms G178W, G244W, G93W, G243W.
Identifiers: ClinVar variation 1758256 (VCV001758256.2), dbSNP rs771464575, ClinGen allele CA374114824.